The following is an entry in ClinVar:

NM_005050.4(ABCD4):c.1533C>T (p.Gly511=)

Gene: ABCD4 (ATP binding cassette subfamily D member 4; minus strand). Cytogenetic location: 14q24.3.
Variant type: single nucleotide variant.
Coding change: c.1533C>T on transcript NM_005050.4 (MANE Select); coding-DNA position 1533, C replaced by T.
Protein change: p.Gly511=; no amino-acid change (glycine 511 retained).
Molecular consequence: synonymous variant. On other transcripts: missense variant (1), non-coding transcript variant (10).
Genome position (GRCh38, 1-based): chr14:74,288,233, G>A on the plus strand (C>T on the coding strand, the complement: ABCD4 is on the minus strand). VCF-style: chr14-74288233-G-A. GRCh37 (hg19) VCF-style: chr14-74754936-G-A.
Other names: p.Gly511=; c.1407C>T, p.Gly469= (NM_001353591.2, NM_001353592.2); c.1272C>T, p.Gly424= (NM_001353593.2); c.1221C>T, p.Gly407= (NM_001353594.2); c.1119C>T, p.Gly373= (NM_001353595.2, NM_001353596.2); c.1068C>T, p.Gly356= (NM_001353597.2); c.1056C>T, p.Gly352= (NM_001353598.2, NM_001353599.2, NM_001353600.2 and 2 more transcripts); c.744C>T, p.Gly248= (NM_001353602.2, NM_001353603.2, NM_001353604.2 and 5 more transcripts); and 2 more; short protein forms A267V.
Identifiers: ClinVar variation 380504 (VCV000380504.14), dbSNP rs57773157, ClinGen allele CA7266720.

ClinVar aggregate classification (germline): Benign. Review status: criteria provided, multiple submitters, no conflicts (2 of 4 stars). 5 submissions from 5 submitters: Benign (5). Last evaluated 2026-02-04.

Conditions:
Methylmalonic acidemia with homocystinuria, type cblJ (MAHCJ). Also called: METHYLMALONIC ACIDURIA AND HOMOCYSTINURIA, cblJ TYPE. Identifiers: Orphanet 369955, MedGen C3553915, MONDO:0013925, OMIM 614857.

Allele frequency attached by ClinVar (database versions not stated): gnomAD exomes 0.00636 and 0.01657; ExAC 0.02354; gnomAD 0.06543 and 0.06977; 1000 Genomes Project 0.07248; TOPMed 0.07332; ESP Exome Variant Server 0.07481; 1000 Genomes Project 30x 0.07979.

Submissions (5):

Labcorp Genetics (formerly Invitae), Labcorp
Classification: Benign for Methylmalonic acidemia with homocystinuria, type cblJ. Last evaluated: 2026-02-04. Review status: criteria provided, single submitter. Criteria: Invitae Variant Classification Sherloc (09022015). Collection method: clinical testing. Allele origin: germline.

ARUP Laboratories, Molecular Genetics and Genomics, ARUP Laboratories
Classification: Benign for Methylmalonic acidemia with homocystinuria, type cblJ. Last evaluated: 2025-06-03. Review status: criteria provided, single submitter. Criteria: ARUP Molecular Germline Variant Investigation Process 2024. Collection method: clinical testing. Allele origin: germline.

Mayo Clinic Laboratories, Mayo Clinic
Classification: Benign. Last evaluated: 2022-07-26. Review status: criteria provided, single submitter. Criteria: ACMG Guidelines, 2015. Collection method: clinical testing. Allele origin: germline. Observed: 5 variant alleles.
Comment: BA1, BP4, BP7

GeneDx
Classification: Benign. Last evaluated: 2016-02-23. Review status: criteria provided, single submitter. Criteria: GeneDx Variant Classification (06012015). Collection method: clinical testing. Allele origin: germline. Affected: yes.
Comment: This variant is considered likely benign or benign based on one or more of the following criteria: it is a conservative change, it occurs at a poorly conserved position in the protein, it is predicted to be benign by multiple in silico algorithms, and/or has population frequency not consistent with disease.

Breakthrough Genomics
Classification: Benign. Review status: criteria provided, single submitter. Criteria: ACMG Guidelines, 2015. Collection method: not provided. Allele origin: germline. Inheritance: Autosomal recessive inheritance. Affected: yes.